The following is an entry in ClinVar:

NM_001036.6(RYR3):c.11839G>A (p.Ala3947Thr)

Gene: RYR3 (ryanodine receptor 3; plus strand). Cytogenetic location: 15q14.
Variant type: single nucleotide variant.
Coding change: c.11839G>A on transcript NM_001036.6 (MANE Select); coding-DNA position 11839, G replaced by A.
Protein change: p.Ala3947Thr; replaces alanine 3947 with threonine.
Molecular consequence: missense variant.
Genome position (GRCh38, 1-based): chr15:33,837,819, G>A. VCF-style: chr15-33837819-G-A. GRCh37 (hg19) VCF-style: chr15-34130020-G-A.
Other names: c.11824G>A, p.Ala3942Thr (NM_001243996.4); short protein forms A3947T, A3942T.
Identifiers: ClinVar variation 461845 (VCV000461845.12), dbSNP rs201375567, ClinGen allele CA7461305.

ClinVar aggregate classification (germline): Uncertain significance. Review status: criteria provided, multiple submitters, no conflicts (2 of 4 stars). 2 submissions from 2 submitters: Uncertain significance (2). Last evaluated 2022-10-17.

Conditions:
Epileptic encephalopathy. Identifiers: MedGen C0543888, HP:0200134.

Allele frequency attached by ClinVar (database versions not stated): TOPMed 0.00083; gnomAD 0.00086 and 0.00083; 1000 Genomes Project 30x 0.00016; 1000 Genomes Project 0.00020; ExAC 0.00067; ESP Exome Variant Server 0.00067; gnomAD exomes 0.00070.
gnomAD v4.1: 2,458 of 1,613,968 alleles (0.15%); highest among the groups gnomAD compares: Non-Finnish European, 0.19%; 6 homozygotes.

Submissions (2):

Labcorp Genetics (formerly Invitae), Labcorp
Classification: Uncertain significance for Epileptic encephalopathy. Last evaluated: 2022-10-17. Review status: criteria provided, single submitter. Criteria: Invitae Variant Classification Sherloc (09022015). Collection method: clinical testing. Allele origin: germline.
Comment: This sequence change replaces alanine, which is neutral and non-polar, with threonine, which is neutral and polar, at codon 3947 of the RYR3 protein (p.Ala3947Thr). This variant is present in population databases (rs201375567, gnomAD 0.1%), and has an allele count higher than expected for a pathogenic variant. This variant has not been reported in the literature in individuals affected with RYR3-related conditions. ClinVar contains an entry for this variant (Variation ID: 461845). Advanced modeling of protein sequence and biophysical properties (such as structural, functional, and spatial information, amino acid conservation, physicochemical variation, residue mobility, and thermodynamic stability) performed at Invitae indicates that this missense variant is not expected to disrupt RYR3 protein function. In summary, the available evidence is currently insufficient to determine the role of this variant in disease. Therefore, it has been classified as a Variant of Uncertain Significance.

Mayo Clinic Laboratories, Mayo Clinic
Classification: Uncertain significance. Last evaluated: 2017-06-22. Review status: criteria provided, single submitter. Criteria: ACMG Guidelines, 2015. Collection method: clinical testing. Allele origin: maternal.